The following is an entry in ClinVar:

NM_020971.3(SPTBN4):c.2432T>A (p.Leu811Gln)

Gene: SPTBN4 (spectrin beta, non-erythrocytic 4; plus strand). Cytogenetic location: 19q13.2.
Variant type: single nucleotide variant.
Coding change: c.2432T>A on transcript NM_020971.3 (MANE Select); coding-DNA position 2432, T replaced by A.
Protein change: p.Leu811Gln; replaces leucine 811 with glutamine.
Molecular consequence: missense variant.
Genome position (GRCh38, 1-based): chr19:40,513,221, T>A. VCF-style: chr19-40513221-T-A. GRCh37 (hg19) VCF-style: chr19-41019128-T-A.
Other names: short protein forms L811Q.
Identifiers: ClinVar variation 1804332 (VCV001804332.2), dbSNP rs939879148, ClinGen allele CA308425433.

ClinVar aggregate classification (germline): Uncertain significance. Review status: criteria provided, multiple submitters, no conflicts (2 of 4 stars). 2 submissions from 2 submitters: Uncertain significance (2). Last evaluated 2024-05-21.

Conditions:
Inborn genetic diseases. Identifiers: MedGen C0950123, MeSH D030342.

Allele frequency attached by ClinVar (database versions not stated): gnomAD exomes 0.00001; gnomAD 0.00003; TOPMed 0.00004.
gnomAD v4.1: 23 of 1,504,928 alleles (0.0015%); highest among the groups gnomAD compares: African/African-American, 0.0072%; no homozygotes.

Submissions (2):

Ambry Genetics
Classification: Uncertain significance for Inborn genetic diseases. Last evaluated: 2024-05-21. Review status: criteria provided, single submitter. Criteria: Ambry Variant Classification Scheme 2023. Collection method: clinical testing. Allele origin: germline.

GeneDx
Classification: Uncertain significance. Last evaluated: 2022-06-16. Review status: criteria provided, single submitter. Criteria: GeneDx Variant Classification Process June 2021. Collection method: clinical testing. Allele origin: germline. Affected: yes.
Comment: In silico analysis supports that this missense variant has a deleterious effect on protein structure/function; Has not been previously published as pathogenic or benign to our knowledge